The following is an entry in ClinVar:

ClinVar aggregate classification (germline): Uncertain significance (1 of 4 stars; one submission).

Conditions:
Symmetrical dyschromatosis of extremities (DSH). Also called: RETICULATE ACROPIGMENTATION OF DOHI; SYMMETRIC DYSCHROMATOSIS OF THE EXTREMITIES; Dyschromatosis symmetrica hereditaria; DYSCHROMATOSIS SYMMETRICA HEREDITARIA 1. Identifiers: Orphanet 41, MedGen C0406775, MONDO:0007483, OMIM 127400.
Aicardi-Goutieres syndrome 6 (AGS6). Identifiers: Orphanet 51, MedGen C3539013, MONDO:0014007, OMIM 615010.

Submission:

Labcorp Genetics (formerly Invitae), Labcorp
Classification: Uncertain significance for Aicardi-Goutieres syndrome 6; Symmetrical dyschromatosis of extremities. Last evaluated: 2024-06-03. Review status: criteria provided, single submitter. Criteria: Invitae Variant Classification Sherloc (09022015). Collection method: clinical testing. Allele origin: germline.
Comment: This sequence change replaces leucine, which is neutral and non-polar, with methionine, which is neutral and non-polar, at codon 355 of the ADAR protein (p.Leu355Met). This variant is not present in population databases (gnomAD no frequency). This variant has not been reported in the literature in individuals affected with ADAR-related conditions. Advanced modeling of protein sequence and biophysical properties (such as structural, functional, and spatial information, amino acid conservation, physicochemical variation, residue mobility, and thermodynamic stability) performed at Invitae indicates that this missense variant is expected to disrupt ADAR protein function with a positive predictive value of 80%. In summary, the available evidence is currently insufficient to determine the role of this variant in disease. Therefore, it has been classified as a Variant of Uncertain Significance.

NM_001111.5(ADAR):c.1063T>A (p.Leu355Met)

Gene: ADAR (adenosine deaminase RNA specific; minus strand). Cytogenetic location: 1q21.3.
Variant type: single nucleotide variant.
Coding change: c.1063T>A on transcript NM_001111.5 (MANE Select); coding-DNA position 1063, T replaced by A.
Protein change: p.Leu355Met; replaces leucine 355 with methionine.
Molecular consequence: missense variant.
Genome position (GRCh38, 1-based): chr1:154,601,579, A>T on the plus strand (T>A on the coding strand, the complement: ADAR is on the minus strand). VCF-style: chr1-154601579-A-T. GRCh37 (hg19) VCF-style: chr1-154574055-A-T.
Other names: c.178T>A, p.Leu60Met (NM_001025107.3, NM_001193495.2, NM_001365046.1 and 3 more transcripts); c.1090T>A, p.Leu364Met (NM_001365045.1); c.1063T>A, p.Leu355Met (NM_015840.4, NM_015841.4); short protein forms L364M, L355M, L60M.
Identifiers: ClinVar variation 2940855 (VCV002940855.3), dbSNP rs1306875279, ClinGen allele CA342598770.
Genomic context (GRCh38, chr1:154,601,579, plus strand): 5'-TTTCAGGAACACTGTTCGTATTTCTCTTGATTTGCATCCTCTCTCGCTTCTTGTCTGTCA[A>T]ATGCCATATGGGAGGGGTTGTCCCTTGTCTATAGACATCCCCCTGCCTTTCCATGTCAAT-3'
Protein context (NP_001102.3, residues 345-365): RQGTTPPIWH[Leu355Met]TDKKRERMQI